The following is an entry in ClinVar:

ClinVar aggregate classification (germline): Likely benign (0 of 4 stars; one submission).

Conditions:
HIVEP3-related disorder. Also called: HIVEP3-related condition.

gnomAD v4.1: 10 of 1,614,206 alleles (0.00062%); highest among the groups gnomAD compares: Middle Eastern, 0.049%; no homozygotes.

Submission:

PreventionGenetics, part of Exact Sciences
Classification: Likely benign for HIVEP3-related condition. Last evaluated: 2019-08-12. Review status: no assertion criteria provided. Collection method: clinical testing. Allele origin: germline.
Comment: This variant is classified as likely benign based on ACMG/AMP sequence variant interpretation guidelines (Richards et al. 2015 PMID: 25741868, with internal and published modifications).

NM_024503.5(HIVEP3):c.4395A>G (p.Val1465=)

Gene: HIVEP3 (HIVEP zinc finger 3; minus strand). Cytogenetic location: 1p34.2.
Variant type: single nucleotide variant.
Coding change: c.4395A>G on transcript NM_024503.5 (MANE Select); coding-DNA position 4395, A replaced by G.
Protein change: p.Val1465=; no amino-acid change (valine 1465 retained).
Molecular consequence: synonymous variant.
Genome position (GRCh38, 1-based): chr1:41,580,403, T>C on the plus strand (A>G on the coding strand, the complement: HIVEP3 is on the minus strand). VCF-style: chr1-41580403-T-C. GRCh37 (hg19) VCF-style: chr1-42046074-T-C.
Other names: c.4395A>G, p.Val1465= (NM_001127714.3).
Identifiers: ClinVar variation 3358632 (VCV003358632.1).
Genomic context (GRCh38, chr1:41,580,403, plus strand): 5'-GTGGGATTTCTCTGGCCTCTTCCCATCCTCGGTGCTGGTAAGGACCACACTGCATGGTTT[T>C]ACCAGCTCAAGTTTTTCATCTGCCTTGGAAGCCTCCTCCTCCTTCACTCTTTTTTGCTGC-3'
Protein context (NP_078779.2, residues 1455-1475): ASKADEKLEL[Val1465=]KPCSVVLTST